The following is an entry in ClinVar:

NM_001037.5(SCN1B):c.448+55G>C

Gene: SCN1B (sodium voltage-gated channel beta subunit 1; plus strand). Cytogenetic location: 19q13.11.
Variant type: single nucleotide variant.
Coding change: c.448+55G>C on transcript NM_001037.5 (MANE Select); 55 bases into the intron after coding-DNA position 448, G replaced by C.
Molecular consequence: intron variant. On other transcripts: missense variant (1).
Genome position (GRCh38, 1-based): chr19:35,033,794, G>C. VCF-style: chr19-35033794-G-C. GRCh37 (hg19) VCF-style: chr19-35524698-G-C.
Other names: c.503G>C, p.Arg168Thr (NM_199037.5); c.349+55G>C (NM_001321605.2); short protein forms R168T.
Identifiers: ClinVar variation 2916815 (VCV002916815.3), dbSNP rs1568349497, ClinGen allele CA405329182.

ClinVar aggregate classification (germline): Uncertain significance (1 of 4 stars; one submission).

Conditions:
Brugada syndrome 5 (BRGDA5). Identifiers: Orphanet 130, Orphanet 871, MedGen C2748541, MONDO:0013015, OMIM 612838.

Submission:

Labcorp Genetics (formerly Invitae), Labcorp
Classification: Uncertain significance for Brugada syndrome 5. Last evaluated: 2023-08-05. Review status: criteria provided, single submitter. Criteria: Invitae Variant Classification Sherloc (09022015). Collection method: clinical testing. Allele origin: germline.
Comment: In summary, the available evidence is currently insufficient to determine the role of this variant in disease. Therefore, it has been classified as a Variant of Uncertain Significance. Algorithms developed to predict the effect of sequence changes on RNA splicing suggest that this variant may disrupt the consensus splice site. An algorithm developed to predict the effect of missense changes on protein structure and function (PolyPhen-2) suggests that this variant is likely to be disruptive. This variant has not been reported in the literature in individuals affected with SCN1B-related conditions. This variant is not present in population databases (gnomAD no frequency). This sequence change replaces arginine, which is basic and polar, with threonine, which is neutral and polar, at codon 168 of the SCN1B protein (p.Arg168Thr).